The following is an entry in ClinVar:

NM_001384732.1(CPLANE1):c.2011T>C (p.Leu671=)

Gene: CPLANE1 (ciliogenesis and planar polarity effector complex subunit 1; minus strand). Cytogenetic location: 5p13.2.
Variant type: single nucleotide variant.
Coding change: c.2011T>C on transcript NM_001384732.1 (MANE Select); coding-DNA position 2011, T replaced by C.
Protein change: p.Leu671=; no amino-acid change (leucine 671 retained).
Molecular consequence: synonymous variant.
Genome position (GRCh38, 1-based): chr5:37,226,584, A>G on the plus strand (T>C on the coding strand, the complement: CPLANE1 is on the minus strand). VCF-style: chr5-37226584-A-G. GRCh37 (hg19) VCF-style: chr5-37226686-A-G.
Other names: c.2011T>C, p.Leu671= (NM_023073.4).
Identifiers: ClinVar variation 1659671 (VCV001659671.14), dbSNP rs1395098389, ClinGen allele CA444097975.

ClinVar aggregate classification (germline): Likely benign. Review status: criteria provided, multiple submitters, no conflicts (2 of 4 stars). 2 submissions from 2 submitters: Likely benign (2). Last evaluated 2025-11-01.

Allele frequency attached by ClinVar (database versions not stated): gnomAD exomes 0.00001 and below 0.00001; TOPMed 0.00001.
gnomAD v4.1: 2 of 1,550,916 alleles (0.00013%); highest among the groups gnomAD compares: Admixed American, 0.002%; no homozygotes.

Submissions (2):

CeGaT Center for Human Genetics Tuebingen
Classification: Likely benign. Last evaluated: 2025-11-01. Review status: criteria provided, single submitter. Criteria: CeGaT Center For Human Genetics Tuebingen Variant Classification Criteria Version 2. Collection method: clinical testing. Allele origin: germline. Affected: yes. Observed: 1 variant allele.
Comment: CPLANE1: BP4, BP7

Labcorp Genetics (formerly Invitae), Labcorp
Classification: Likely benign. Last evaluated: 2021-10-19. Review status: criteria provided, single submitter. Criteria: Invitae Variant Classification Sherloc (09022015). Collection method: clinical testing. Allele origin: germline.